The following is an entry in ClinVar:

NM_000388.4(CASR):c.3091G>A (p.Gly1031Ser)

Gene: CASR (calcium sensing receptor; plus strand). Cytogenetic location: 3q21.1.
Variant type: single nucleotide variant.
Coding change: c.3091G>A on transcript NM_000388.4 (MANE Select); coding-DNA position 3091, G replaced by A.
Protein change: p.Gly1031Ser; replaces glycine 1031 with serine.
Molecular consequence: missense variant.
Genome position (GRCh38, 1-based): chr3:122,285,045, G>A. VCF-style: chr3-122285045-G-A. GRCh37 (hg19) VCF-style: chr3-122003892-G-A.
Other names: c.3121G>A, p.Gly1041Ser (NM_001178065.2); short protein forms G1031S, G1041S.
Identifiers: ClinVar variation 35797 (VCV000035797.28), dbSNP rs142704083, ClinGen allele CA213597.

ClinVar aggregate classification (germline): Conflicting classifications of pathogenicity. Review status: criteria provided, conflicting classifications (1 of 4 stars). 6 submissions from 6 submitters: Uncertain significance (1); Benign (3); Likely benign (2). Last evaluated 2025-10-01.

Conditions:
Familial hypocalciuric hypercalcemia (FHH). Also called: Familial benign hypercalcemia. Identifiers: Orphanet 405, MedGen C1809471, MONDO:0018458.
Autosomal dominant hypocalcemia 1 (HYPOC1). Also called: HYPOCALCEMIA, FAMILIAL. Identifiers: MedGen C3715128, MONDO:0011013, OMIM 601198.
Nephrolithiasis/nephrocalcinosis. Identifiers: MedGen CN580796.
Familial hypocalciuric hypercalcemia 1. Also called: Hypercalcemia, familial benign type 1. Identifiers: Orphanet 405, Orphanet 93372, MedGen C0342637, MONDO:0007791, OMIM 145980.

Allele frequency attached by ClinVar (database versions not stated): gnomAD exomes 0.00005 and 0.00018; ExAC 0.00022; ESP Exome Variant Server 0.00038; TOPMed 0.00056; gnomAD 0.00057 and 0.00061; 1000 Genomes Project 0.00080; 1000 Genomes Project 30x 0.00094.
gnomAD v4.1: 169 of 1,614,220 alleles (0.01%); highest among the groups gnomAD compares: African/African-American, 0.19%; 1 homozygote.

Submissions (6):

Labcorp Genetics (formerly Invitae), Labcorp
Classification: Likely benign for Familial hypocalciuric hypercalcemia; Autosomal dominant hypocalcemia 1. Last evaluated: 2025-10-01. Review status: criteria provided, single submitter. Criteria: Invitae Variant Classification Sherloc (09022015). Collection method: clinical testing. Allele origin: germline.

Athena Diagnostics
Classification: Benign. Last evaluated: 2024-03-08. Review status: criteria provided, single submitter. Criteria: Athena Diagnostics Criteria. Collection method: clinical testing. Allele origin: unknown.

Ambry Genetics
Classification: Benign for Nephrolithiasis/nephrocalcinosis. Last evaluated: 2023-03-02. Review status: criteria provided, single submitter. Criteria: Ambry Variant Classification Scheme 2023. Collection method: clinical testing. Allele origin: germline.

Mendelics
Classification: Benign for Familial hypocalciuric hypercalcemia 1. Last evaluated: 2019-05-28. Review status: criteria provided, single submitter. Criteria: Mendelics Assertion Criteria 2017. Collection method: clinical testing. Allele origin: unknown.

Women's Health and Genetics/Laboratory Corporation of America, LabCorp
Classification: Likely benign. Last evaluated: 2019-03-13. Review status: criteria provided, single submitter. Criteria: LabCorp Variant Classification Summary - May 2015. Collection method: clinical testing. Allele origin: germline.
Comment: Variant summary: CASR c.3091G>A (p.Gly1031Ser) results in a non-conservative amino acid change in the encoded protein sequence. Four of five in-silico tools predict a benign effect of the variant on protein function (ACMG BP4). The variant allele was found at a frequency of 0.00022 in 277196 control chromosomes, predominantly at a frequency of 0.0022 within the African subpopulation in the gnomAD database, including 1 homozygote. The observed variant frequency within African control individuals in the gnomAD database is approximately 176 fold of the estimated maximal expected allele frequency for a pathogenic variant in CASR causing Familial Hypocalciuric Hypercalcemia phenotype (1.3e-05), strongly suggesting that the variant is a benign polymorphism found primarily in populations of African origin (ACMG BS1). To our knowledge, no occurrence of c.3091G>A in individuals affected with Familial Hypocalciuric Hypercalcemia and no experimental evidence demonstrating its impact on protein function have been reported. This variant was previously classified as a VUS-possibly pathogenic variant that was converted during ClinVar submission to likely pathogenic in 2011. Two clinical diagnostic laboratories have submitted clinical-significance assessments for this variant to ClinVar after 2014 without evidence for independent evaluation. One laboratory classified the variant as likely benign, and one laboratory classified the variant as uncertain significance. No new evidence supporting a pathogenic outcome has emerged over a span of eight years (2011-2019). Based on the evidence outlined above, the variant was classified as likely benign.

Genetic Services Laboratory, University of Chicago
Classification: Uncertain significance. Last evaluated: 2017-05-08. Review status: criteria provided, single submitter. Criteria: ACMG Guidelines, 2015. Collection method: clinical testing. Allele origin: germline. Affected: no.